The following is an entry in ClinVar:

NM_203446.3(SYNJ1):c.1228G>C (p.Gly410Arg)

Gene: SYNJ1 (synaptojanin 1; minus strand). Cytogenetic location: 21q22.11.
Variant type: single nucleotide variant.
Coding change: c.1228G>C on transcript NM_203446.3 (MANE Select); coding-DNA position 1228, G replaced by C.
Protein change: p.Gly410Arg; replaces glycine 410 with arginine.
Molecular consequence: missense variant.
Genome position (GRCh38, 1-based): chr21:32,681,621, C>G on the plus strand (G>C on the coding strand, the complement: SYNJ1 is on the minus strand). VCF-style: chr21-32681621-C-G. GRCh37 (hg19) VCF-style: chr21-34053931-C-G.
Other names: c.1228G>C, p.Gly410Arg (NM_001160302.2, NM_001160306.2); c.1345G>C, p.Gly449Arg (NM_003895.4); short protein forms G449R, G410R.
Identifiers: ClinVar variation 1499374 (VCV001499374.6), dbSNP rs745972290, ClinGen allele CA10003937.

ClinVar aggregate classification (germline): Uncertain significance (1 of 4 stars; one submission).

Conditions:
Developmental and epileptic encephalopathy, 53. Also called: Epileptic encephalopathy, early infantile, 53. Identifiers: MedGen C4479313, MONDO:0033362, OMIM 617389.
Early-onset Parkinson disease 20. Also called: PARKINSON DISEASE 20, AUTOSOMAL RECESSIVE EARLY-ONSET. Identifiers: Orphanet 391411, MedGen C3809824, MONDO:0014233, OMIM 615530.

Allele frequency attached by ClinVar (database versions not stated): gnomAD 0.00001; gnomAD exomes 0.00001 and 0.00002; ExAC 0.00002.

Submission:

Labcorp Genetics (formerly Invitae), Labcorp
Classification: Uncertain significance for Developmental and epileptic encephalopathy, 53; Early-onset Parkinson disease 20. Last evaluated: 2021-10-20. Review status: criteria provided, single submitter. Criteria: Invitae Variant Classification Sherloc (09022015). Collection method: clinical testing. Allele origin: germline.
Comment: This variant has not been reported in the literature in individuals affected with SYNJ1-related conditions. This variant is present in population databases (rs745972290, ExAC 0.02%). This sequence change replaces glycine with arginine at codon 449 of the SYNJ1 protein (p.Gly449Arg). The glycine residue is moderately conserved and there is a moderate physicochemical difference between glycine and arginine. Algorithms developed to predict the effect of missense changes on protein structure and function are either unavailable or do not agree on the potential impact of this missense change (SIFT: "Deleterious"; PolyPhen-2: "Probably Damaging"; Align-GVGD: "Class C0"). In summary, the available evidence is currently insufficient to determine the role of this variant in disease. Therefore, it has been classified as a Variant of Uncertain Significance.